The following is an entry in ClinVar:

ClinVar aggregate classification (germline): Uncertain significance. Review status: criteria provided, multiple submitters, no conflicts (2 of 4 stars). 2 submissions from 2 submitters: Uncertain significance (2). Last evaluated 2023-01-18.

Conditions:
Myofibrillar myopathy 6. Identifiers: Orphanet 199340, MedGen C2751831, MONDO:0013061, OMIM 612954.
Dilated cardiomyopathy 1HH (CMD1HH). Identifiers: Orphanet 154, MedGen C3151293, MONDO:0013479, OMIM 613881.
Cardiovascular phenotype. Identifiers: MedGen CN230736.

Allele frequency attached by ClinVar (database versions not stated): gnomAD exomes below 0.00001; ExAC 0.00001; TOPMed 0.00001; ESP Exome Variant Server 0.00008.
gnomAD v4.1: 4 of 1,614,228 alleles (0.00025%); highest among the groups gnomAD compares: Non-Finnish European, 0.00034%; no homozygotes.

Submissions (2):

Ambry Genetics
Classification: Uncertain significance for Cardiovascular phenotype. Last evaluated: 2023-01-18. Review status: criteria provided, single submitter. Criteria: Ambry Variant Classification Scheme 2023. Collection method: clinical testing. Allele origin: germline.
Comment: The p.P131A variant (also known as c.391C>G), located in coding exon 2 of the BAG3 gene, results from a C to G substitution at nucleotide position 391. The proline at codon 131 is replaced by alanine, an amino acid with highly similar properties. This amino acid position is not well conserved in available vertebrate species. In addition, this alteration is predicted to be tolerated by in silico analysis. Since supporting evidence is limited at this time, the clinical significance of this alteration remains unclear.

Labcorp Genetics (formerly Invitae), Labcorp
Classification: Uncertain significance for Dilated cardiomyopathy 1HH; Myofibrillar myopathy 6. Last evaluated: 2022-09-07. Review status: criteria provided, single submitter. Criteria: Invitae Variant Classification Sherloc (09022015). Collection method: clinical testing. Allele origin: germline.
Comment: In summary, the available evidence is currently insufficient to determine the role of this variant in disease. Therefore, it has been classified as a Variant of Uncertain Significance. Algorithms developed to predict the effect of missense changes on protein structure and function are either unavailable or do not agree on the potential impact of this missense change (SIFT: "Tolerated"; PolyPhen-2: "Probably Damaging"; Align-GVGD: "Class C0"). This variant has not been reported in the literature in individuals affected with BAG3-related conditions. This variant is present in population databases (rs140672627, gnomAD 0.0009%). This sequence change replaces proline, which is neutral and non-polar, with alanine, which is neutral and non-polar, at codon 131 of the BAG3 protein (p.Pro131Ala).

NM_004281.4(BAG3):c.391C>G (p.Pro131Ala)

Gene: BAG3 (BAG cochaperone 3; plus strand). Cytogenetic location: 10q26.11.
Variant type: single nucleotide variant.
Coding change: c.391C>G on transcript NM_004281.4 (MANE Select); coding-DNA position 391, C replaced by G.
Protein change: p.Pro131Ala; replaces proline 131 with alanine.
Molecular consequence: missense variant.
Genome position (GRCh38, 1-based): chr10:119,670,061, C>G. VCF-style: chr10-119670061-C-G. GRCh37 (hg19) VCF-style: chr10-121429573-C-G.
Other names: c.391C>G (NM_004281.3); short protein forms P131A.
Identifiers: ClinVar variation 1518855 (VCV001518855.9), dbSNP rs140672627, ClinGen allele CA5716311.